The following is an entry in ClinVar:

NM_000016.6(ACADM):c.610T>G (p.Leu204Val)

Gene: ACADM (acyl-CoA dehydrogenase medium chain; plus strand). Cytogenetic location: 1p31.1.
Variant type: single nucleotide variant.
Coding change: c.610T>G on transcript NM_000016.6 (MANE Select); coding-DNA position 610, T replaced by G.
Protein change: p.Leu204Val; replaces leucine 204 with valine.
Molecular consequence: missense variant.
Genome position (GRCh38, 1-based): chr1:75,745,816, T>G. VCF-style: chr1-75745816-T-G. GRCh37 (hg19) VCF-style: chr1-76211501-T-G.
Other names: c.622T>G, p.Leu208Val (NM_001127328.3); c.502T>G, p.Leu168Val (NM_001286042.2); c.709T>G, p.Leu237Val (NM_001286043.2); c.43T>G, p.Leu15Val (NM_001286044.2); short protein forms L15V, L168V, L204V, L208V, L237V.
Identifiers: ClinVar variation 4796571 (VCV004796571.1).

ClinVar aggregate classification (germline): Uncertain significance (1 of 4 stars; one submission).

Conditions:
Medium-chain acyl-coenzyme A dehydrogenase deficiency (ACADMD). Also called: MCAD Deficiency; ACADM DEFICIENCY; MCADH DEFICIENCY; MCADD; Medium chain acyl-CoA dehydrogenase deficiency; CARNITINE DEFICIENCY SECONDARY TO MEDIUM-CHAIN ACYL-CoA DEHYDROGENASE DEFICIENCY. Identifiers: Orphanet 42, MedGen C0220710, MONDO:0008721, OMIM 201450.

Submission:

Juno Genomics, Hangzhou Juno Genomics, Inc
Classification: Uncertain significance for Medium-chain acyl-coenzyme A dehydrogenase deficiency. Review status: criteria provided, single submitter. Criteria: ACMG Guidelines, 2015. Collection method: clinical testing. Allele origin: germline. Affected: yes.
Comment: Absent from controls (or at extremely low frequency if recessive) in Genome Aggregation Database, Exome Sequencing Project, 1000 Genomes Project, or Exome Aggregation Consortium.;Multiple lines of computational evidence support a deleterious effect on the gene or gene product (conservation, evolutionary, splicing impact, etc).;Patient's phenotype or family history is highly specific for a disease with a single genetic etiology.